The following is an entry in ClinVar:

NM_001267550.2(TTN):c.41474G>A (p.Arg13825Gln)

Gene: TTN (titin; minus strand). Cytogenetic location: 2q31.2.
Variant type: single nucleotide variant.
Coding change: c.41474G>A on transcript NM_001267550.2 (MANE Select); coding-DNA position 41474, G replaced by A.
Protein change: p.Arg13825Gln; replaces arginine 13825 with glutamine.
Molecular consequence: missense variant.
Genome position (GRCh38, 1-based): chr2:178,636,097, C>T on the plus strand (G>A on the coding strand, the complement: TTN is on the minus strand). VCF-style: chr2-178636097-C-T. GRCh37 (hg19) VCF-style: chr2-179500824-C-T.
Other names: c.33770G>A, p.Arg11257Gln (NM_133378.4); c.36551G>A, p.Arg12184Gln (NM_001256850.1); c.14279G>A, p.Arg4760Gln (NM_003319.4); c.14654G>A, p.Arg4885Gln (NM_133432.3); c.14855G>A, p.Arg4952Gln (NM_133437.4); short protein forms R11257Q, R13825Q, R4885Q, R12184Q, R4760Q, R4952Q.
Identifiers: ClinVar variation 179301 (VCV000179301.6), dbSNP rs727504774, ClinGen allele CA184152.

ClinVar aggregate classification (germline): Uncertain significance. Review status: criteria provided, multiple submitters, no conflicts (2 of 4 stars). 2 submissions from 2 submitters: Uncertain significance (2). Last evaluated 2021-09-29.

Conditions:
Autosomal recessive limb-girdle muscular dystrophy type 2J (LGMDR10). Also called: MUSCULAR DYSTROPHY, LIMB-GIRDLE, AUTOSOMAL RECESSIVE 10; Limb-girdle muscular dystrophy, type 2J. Identifiers: Orphanet 140922, MedGen C1837342, MONDO:0012127, OMIM 608807.
Tibial muscular dystrophy (TMD). Also called: Tibial muscular dystrophy, tardive; Udd Distal Myopathy – Tibial Muscular Dystrophy; UDD MYOPATHY. Identifiers: Orphanet 609, MedGen C1838244, MONDO:0010870, OMIM 600334.
Myopathy, myofibrillar, 9, with early respiratory failure (MFM9). Also called: Myopathy, distal, with early respiratory failure, autosomal dominant; EDSTROM MYOPATHY; MYOPATHY, PROXIMAL, WITH EARLY RESPIRATORY MUSCLE INVOLVEMENT; Hereditary myopathy with early respiratory failure. Identifiers: Orphanet 178464, Orphanet 34521, MedGen C1863599, MONDO:0011362, OMIM 603689.
Dilated cardiomyopathy 1G (CMD1G). Identifiers: Orphanet 154, MedGen C1858763, MONDO:0011400, OMIM 604145.
Early-onset myopathy with fatal cardiomyopathy (CMYO5). Also called: CONGENITAL MYOPATHY 5 WITH CARDIOMYOPATHY; Salih Myopathy. Identifiers: Orphanet 289377, MedGen C2673677, MONDO:0012714, OMIM 611705. Disease mechanism: loss of function.
Hypertrophic cardiomyopathy 9. Also called: Familial hypertrophic cardiomyopathy 9. Identifiers: MedGen C1861065, MONDO:0013412, OMIM 613765.

Allele frequency attached by ClinVar (database versions not stated): gnomAD 0.00003 and 0.00004.
gnomAD v4.1: 42 of 1,613,054 alleles (0.0026%); highest among the groups gnomAD compares: Middle Eastern, 0.016%; no homozygotes.

Submissions (2):

Fulgent Genetics
Classification: Uncertain significance for Tibial muscular dystrophy; Myopathy, myofibrillar, 9, with early respiratory failure; Dilated cardiomyopathy 1G; Autosomal recessive limb-girdle muscular dystrophy type 2J; Early-onset myopathy with fatal cardiomyopathy; Hypertrophic cardiomyopathy 9. Last evaluated: 2021-09-29. Review status: criteria provided, single submitter. Criteria: ACMG Guidelines, 2015. Collection method: clinical testing. Allele origin: unknown.

Laboratory for Molecular Medicine, Mass General Brigham Personalized Medicine
Classification: Uncertain significance. Last evaluated: 2013-09-26. Review status: criteria provided, single submitter. Criteria: LMM Criteria. Collection method: clinical testing. Allele origin: germline. Observed: 1 variant allele.
Comment: The Arg11257Gln variant in TTN has not been previously reported in individuals w ith cardiomyopathy or in larger population studies. Computational analyses (bioc hemical amino acid properties, conservation, AlignGVGD, PolyPhen2, and SIFT) do not provide strong support for or against an impact to the normal function of th e protein. Additional information is needed to fully assess the clinical signifi cance of this variant.